The following is an entry in ClinVar:

NM_001042492.3(NF1):c.3596del (p.Thr1199fs)

Gene: NF1 (neurofibromin 1; plus strand). Cytogenetic location: 17q11.2.
Variant type: Deletion.
Coding change: c.3596del on transcript NM_001042492.3 (MANE Select); coding-DNA position 3596, one base deleted (C; older notation c.3596delC).
Protein change: p.Thr1199fs; shifts the reading frame from threonine 1199.
Molecular consequence: frameshift variant.
Genome position (GRCh38, 1-based): chr17:31,233,101, C deleted. VCF-style (leftmost placement, unchanged base first): chr17-31233100-AC-A. GRCh37 (hg19) VCF-style: chr17-29560118-AC-A.
Other names: c.3596delC, p.Thr1199Lysfs (NM_000267.4); short protein forms T1199fs.
Identifiers: ClinVar variation 2024254 (VCV002024254.4), dbSNP rs2508239080, ClinGen allele CA2580093082.

ClinVar aggregate classification (germline): Pathogenic (1 of 4 stars; one submission).

Conditions:
Neurofibromatosis, type 1 (NF1). Also called: NEUROFIBROMATOSIS, TYPE I, SOMATIC; Neurofibromatosis, type I; Peripheral type neurofibromatosis; VON RECKLINGHAUSEN DISEASE. Identifiers: Orphanet 636, MedGen C0027831, MONDO:0018975, OMIM 162200. Disease mechanism: loss of function.

Submission:

Labcorp Genetics (formerly Invitae), Labcorp
Classification: Pathogenic for Neurofibromatosis, type 1. Last evaluated: 2022-09-27. Review status: criteria provided, single submitter. Criteria: Invitae Variant Classification Sherloc (09022015). Collection method: clinical testing. Allele origin: germline.
Comment: For these reasons, this variant has been classified as Pathogenic. This variant has not been reported in the literature in individuals affected with NF1-related conditions. This sequence change creates a premature translational stop signal (p.Thr1199Lysfs*16) in the NF1 gene. It is expected to result in an absent or disrupted protein product. Loss-of-function variants in NF1 are known to be pathogenic (PMID: 10712197, 23913538). This variant is not present in population databases (gnomAD no frequency).

Literature cited by the submitters: PubMed 10712197; PubMed 23913538.